The following is an entry in ClinVar:

NC_000019.9:g.(?_38965938)_(38966110_?)dup

Gene: RYR1 (ryanodine receptor 1; plus strand). Cytogenetic location: 19q13.2.
Variant type: Duplication.
Identifiers: ClinVar variation 3242621 (VCV003242621.1).

ClinVar aggregate classification (germline): Likely pathogenic (1 of 4 stars; one submission).

Conditions:
RYR1-related disorder. Also called: RYR1-related disorders; RYR1-related condition. Identifiers: MedGen CN239331.

Submission:

Labcorp Genetics (formerly Invitae), Labcorp
Classification: Likely pathogenic for RYR1-related disorder. Last evaluated: 2023-09-06. Review status: criteria provided, single submitter. Criteria: Invitae Variant Classification Sherloc (09022015). Collection method: clinical testing. Allele origin: unknown.
Comment: This variant results in a copy number gain of the genomic region encompassing exon(s) 29 of the RYR1 gene. While the exact position of this variant cannot be determined from the data, sub-genic copy number gains are generally in tandem (PMID: 25640679). This variant is predicted to be out-of-frame, and may result in an absent or disrupted protein product. Loss-of-function variants in RYR1 are known to be pathogenic (PMID: 23919265, 25960145, 28818389, 30611313). This variant has not been reported in the literature in individuals affected with RYR1-related conditions. In summary, the currently available evidence indicates that the variant is pathogenic, but additional data are needed to prove that conclusively. Therefore, this variant has been classified as Likely Pathogenic.

Literature cited by the submitters: PubMed 25640679; PubMed 23919265; PubMed 25960145; PubMed 28818389; PubMed 30611313.